The following is an entry in ClinVar:

NM_014629.4(ARHGEF10):c.667G>T (p.Asp223Tyr)

Gene: ARHGEF10 (Rho guanine nucleotide exchange factor 10; plus strand). Cytogenetic location: 8p23.3.
Variant type: single nucleotide variant.
Coding change: c.667G>T on transcript NM_014629.4 (MANE Select); coding-DNA position 667, G replaced by T.
Protein change: p.Asp223Tyr; replaces aspartic acid 223 with tyrosine.
Molecular consequence: missense variant.
Genome position (GRCh38, 1-based): chr8:1,869,238, G>T. VCF-style: chr8-1869238-G-T. GRCh37 (hg19) VCF-style: chr8-1817404-G-T.
Other names: c.670G>T, p.Asp224Tyr (NM_001308152.2, NM_001308153.3); short protein forms D223Y, D224Y, D248Y.
Identifiers: ClinVar variation 3617903 (VCV003617903.2).
Genomic context (GRCh38, chr8:1,869,238, plus strand): 5'-TCCCCGTTTATTGCAGATCCAGAGGAAGCAATTTACGATGACGTTCCAAGGGAAAACTCA[G>T]ACTCTGAACCAGGTTTGATTTTGTCTGGAATTGATTTGAGGAGATTCAGCTCAGCAGCCT-3'
Protein context (NP_055444.2, residues 213-233): IYDDVPRENS[Asp223Tyr]SEPDEMIYDD

ClinVar aggregate classification (germline): Uncertain significance (1 of 4 stars; one submission).

Submission:

Labcorp Genetics (formerly Invitae), Labcorp
Classification: Uncertain significance. Last evaluated: 2024-09-13. Review status: criteria provided, single submitter. Criteria: Invitae Variant Classification Sherloc (09022015). Collection method: clinical testing. Allele origin: germline.
Comment: This sequence change replaces aspartic acid, which is acidic and polar, with tyrosine, which is neutral and polar, at codon 223 of the ARHGEF10 protein (p.Asp223Tyr). This variant is not present in population databases (gnomAD no frequency). This variant has not been reported in the literature in individuals affected with ARHGEF10-related conditions. An algorithm developed to predict the effect of missense changes on protein structure and function (PolyPhen-2) suggests that this variant is likely to be disruptive. In summary, the available evidence is currently insufficient to determine the role of this variant in disease. Therefore, it has been classified as a Variant of Uncertain Significance.